The following is an entry in ClinVar:

NM_001142864.4(PIEZO1):c.4994T>C (p.Phe1665Ser)

Gene: PIEZO1 (piezo type mechanosensitive ion channel component 1 (Er blood group); minus strand). Cytogenetic location: 16q24.3.
Variant type: single nucleotide variant.
Coding change: c.4994T>C on transcript NM_001142864.4 (MANE Select); coding-DNA position 4994, T replaced by C.
Protein change: p.Phe1665Ser; replaces phenylalanine 1665 with serine.
Molecular consequence: missense variant.
Genome position (GRCh38, 1-based): chr16:88,722,028, A>G on the plus strand (T>C on the coding strand, the complement: PIEZO1 is on the minus strand). VCF-style: chr16-88722028-A-G. GRCh37 (hg19) VCF-style: chr16-88788436-A-G.
Other names: c.3536T>C, p.Phe1179Ser (NM_014745.1); short protein forms F1179S, F1665S.
Identifiers: ClinVar variation 2646993 (VCV002646993.24), dbSNP rs981893370, ClinGen allele CA286409689.

ClinVar aggregate classification (germline): Uncertain significance (1 of 4 stars; one submission).

Allele frequency attached by ClinVar (database versions not stated): TOPMed below 0.00001; gnomAD 0.00001; gnomAD exomes 0.00001.
gnomAD v4.1: 11 of 1,548,152 alleles (0.00071%); highest among the groups gnomAD compares: East Asian, 0.0024%; no homozygotes.

Submission:

CeGaT Center for Human Genetics Tuebingen
Classification: Uncertain significance. Last evaluated: 2022-04-01. Review status: criteria provided, single submitter. Criteria: CeGaT Center For Human Genetics Tuebingen Variant Classification Criteria Version 2. Collection method: clinical testing. Allele origin: germline. Affected: yes. Observed: 1 variant allele.
Comment: PIEZO1: PM2